The following is an entry in ClinVar:

NM_001148.6(ANK2):c.266C>A (p.Ser89Tyr)

Gene: ANK2 (ankyrin 2; plus strand). Cytogenetic location: 4q25.
Variant type: single nucleotide variant.
Coding change: c.266C>A on transcript NM_001148.6 (MANE Select); coding-DNA position 266, C replaced by A.
Protein change: p.Ser89Tyr; replaces serine 89 with tyrosine.
Molecular consequence: missense variant.
Genome position (GRCh38, 1-based): chr4:113,196,447, C>A. VCF-style: chr4-113196447-C-A. GRCh37 (hg19) VCF-style: chr4-114117603-C-A.
Other names: c.203C>A, p.Ser68Tyr (NM_001127493.3, NM_001354239.2, NM_001354257.2 and 33 more transcripts); c.266C>A, p.Ser89Tyr (NM_001354225.2, NM_001354228.2, NM_001354232.2 and 9 more transcripts); c.311C>A, p.Ser104Tyr (NM_001354230.2, NM_001354231.2, NM_001354237.2 and 5 more transcripts); c.248C>A, p.Ser83Tyr (NM_001354261.2, NM_001386147.1, NM_001386160.1); c.254C>A, p.Ser85Tyr (NM_001354269.3, NM_001386148.2, NM_001386186.2 and 1 more transcripts); c.317C>A, p.Ser106Tyr (NM_001386174.1, NM_001386175.1); short protein forms S85Y, S68Y, S83Y, S104Y, S106Y, S89Y.
Identifiers: ClinVar variation 1704518 (VCV001704518.5), dbSNP rs766226596, ClinGen allele CA357993539.

ClinVar aggregate classification (germline): Uncertain significance. Review status: criteria provided, multiple submitters, no conflicts (2 of 4 stars). 2 submissions from 2 submitters: Uncertain significance (2). Last evaluated 2026-04-22.

Conditions:
Long QT syndrome (LQTS). Identifiers: MedGen C0023976, MeSH D008133, MONDO:0002442. Disease mechanism: loss of function. Inheritance: Various modes of inheritance.

Submissions (2):

Women's Health and Genetics/Laboratory Corporation of America, LabCorp
Classification: Uncertain significance. Last evaluated: 2026-04-22. Review status: criteria provided, single submitter. Criteria: LabCorp Variant Classification Summary - May 2015. Collection method: clinical testing. Allele origin: germline.
Comment: Variant summary: ANK2 c.266C>A (p.Ser89Tyr) results in a non-conservative amino acid change in the encoded protein sequence. Algorithms developed to predict the effect of missense changes on protein structure and function are either unavailable or do not agree on the potential impact of this missense change. The variant was absent in 248818 control chromosomes. The available data on variant occurrences in the general population are insufficient to allow any conclusion about variant significance. To our knowledge, no occurrence of c.266C>A in individuals affected with ANK2-related conditions and no experimental evidence demonstrating its impact on protein function have been reported. ClinVar contains an entry for this variant (Variation ID: 1704518). Based on the evidence outlined above, the variant was classified as uncertain significance.

Labcorp Genetics (formerly Invitae), Labcorp
Classification: Uncertain significance for Long QT syndrome. Last evaluated: 2025-11-24. Review status: criteria provided, single submitter. Criteria: Invitae Variant Classification Sherloc (09022015). Collection method: clinical testing. Allele origin: germline.
Comment: This sequence change replaces serine, which is neutral and polar, with tyrosine, which is neutral and polar, at codon 89 of the ANK2 protein (p.Ser89Tyr). This variant is not present in population databases (gnomAD no frequency). This variant has not been reported in the literature in individuals affected with ANK2-related conditions. ClinVar contains an entry for this variant (Variation ID: 1704518). Invitae Evidence Modeling of protein sequence and biophysical properties (such as structural, functional, and spatial information, amino acid conservation, physicochemical variation, residue mobility, and thermodynamic stability) indicates that this missense variant is not expected to disrupt ANK2 protein function with a negative predictive value of 80%. In summary, the available evidence is currently insufficient to determine the role of this variant in disease. Therefore, it has been classified as a Variant of Uncertain Significance.